The following is an entry in ClinVar:

NM_020207.7(ERCC6L2):c.3374A>G (p.Gln1125Arg)

Gene: ERCC6L2 (ERCC excision repair 6 like 2; plus strand). Cytogenetic location: 9q22.32.
Variant type: single nucleotide variant.
Coding change: c.3374A>G on transcript NM_020207.7 (MANE Select); coding-DNA position 3374, A replaced by G.
Protein change: p.Gln1125Arg; replaces glutamine 1125 with arginine.
Molecular consequence: missense variant. On other transcripts: non-coding transcript variant (1).
Genome position (GRCh38, 1-based): chr9:95,978,097, A>G. VCF-style: chr9-95978097-A-G. GRCh37 (hg19) VCF-style: chr9-98740379-A-G.
Other names: c.3374A>G, p.Gln1125Arg (NM_001375291.1, NM_001375292.1, NM_001375293.1 and 1 more transcripts); short protein forms Q1125R.
Identifiers: ClinVar variation 4774829 (VCV004774829.1).

ClinVar aggregate classification (germline): Uncertain significance (1 of 4 stars; one submission).

gnomAD v4.1: 15 of 1,367,282 alleles (0.0011%); highest among the groups gnomAD compares: Admixed American, 0.027%; no homozygotes.

Submission:

Labcorp Genetics (formerly Invitae), Labcorp
Classification: Uncertain significance. Last evaluated: 2025-10-09. Review status: criteria provided, single submitter. Criteria: Invitae Variant Classification Sherloc (09022015). Collection method: clinical testing. Allele origin: germline.
Comment: This sequence change replaces glutamine, which is neutral and polar, with arginine, which is basic and polar, at codon 1136 of the ERCC6L2 protein (p.Gln1136Arg). This variant is present in population databases (rs758916499, gnomAD 0.02%). This variant has not been reported in the literature in individuals affected with ERCC6L2-related conditions. Experimental studies and prediction algorithms are not available or were not evaluated, and the functional significance of this variant is currently unknown. In summary, the available evidence is currently insufficient to determine the role of this variant in disease. Therefore, it has been classified as a Variant of Uncertain Significance.